The following is an entry in ClinVar:

ClinVar aggregate classification (germline): Uncertain significance (1 of 4 stars; one submission).

Conditions:
Adams-Oliver syndrome 5 (AOS5). Identifiers: Orphanet 974, MedGen C4014970, MONDO:0014459, OMIM 616028.

Submission:

Labcorp Genetics (formerly Invitae), Labcorp
Classification: Uncertain significance for Adams-Oliver syndrome 5. Last evaluated: 2024-11-18. Review status: criteria provided, single submitter. Criteria: Invitae Variant Classification Sherloc (09022015). Collection method: clinical testing. Allele origin: germline.
Comment: This sequence change replaces phenylalanine, which is neutral and non-polar, with tyrosine, which is neutral and polar, at codon 1540 of the NOTCH1 protein (p.Phe1540Tyr). This variant is not present in population databases (gnomAD no frequency). This variant has not been reported in the literature in individuals affected with NOTCH1-related conditions. Invitae Evidence Modeling of protein sequence and biophysical properties (such as structural, functional, and spatial information, amino acid conservation, physicochemical variation, residue mobility, and thermodynamic stability) indicates that this missense variant is not expected to disrupt NOTCH1 protein function with a negative predictive value of 80%. In summary, the available evidence is currently insufficient to determine the role of this variant in disease. Therefore, it has been classified as a Variant of Uncertain Significance.

NM_017617.5(NOTCH1):c.4619T>A (p.Phe1540Tyr)

Gene: NOTCH1 (notch receptor 1; minus strand). Cytogenetic location: 9q34.3.
Variant type: single nucleotide variant.
Coding change: c.4619T>A on transcript NM_017617.5 (MANE Select); coding-DNA position 4619, T replaced by A.
Protein change: p.Phe1540Tyr; replaces phenylalanine 1540 with tyrosine.
Molecular consequence: missense variant.
Genome position (GRCh38, 1-based): chr9:136,505,072, A>T on the plus strand (T>A on the coding strand, the complement: NOTCH1 is on the minus strand). VCF-style: chr9-136505072-A-T. GRCh37 (hg19) VCF-style: chr9-139399524-A-T.
Other names: short protein forms F1540Y.
Identifiers: ClinVar variation 3723177 (VCV003723177.2).
Genomic context (GRCh38, chr9:136,505,072, plus strand): 5'-TCCAGCCCGTCCCACTCGCACTCCGCGCTGTTGCAGCCCTGGTCGCAGTGCCCGTCGCTG[A>T]AGTGGTCCTTGCAGTACTGGTCGTACAGGGGGCTGTGGGGGGCGGGACACGCTCAGGCCG-3'
Protein context (NP_060087.3, residues 1530-1550): PLYDQYCKDH[Phe1540Tyr]SDGHCDQGCN